The following is an entry in ClinVar:

NM_001278.5(CHUK):c.1231+3A>G

Gene: CHUK (component of inhibitor of nuclear factor kappa B kinase complex; minus strand). Cytogenetic location: 10q24.31.
Variant type: single nucleotide variant.
Coding change: c.1231+3A>G on transcript NM_001278.5 (MANE Select); 3 bases into the intron after coding-DNA position 1231, A replaced by G.
Molecular consequence: intron variant.
Genome position (GRCh38, 1-based): chr10:100,207,227, T>C on the plus strand (A>G on the coding strand, the complement: CHUK is on the minus strand). VCF-style: chr10-100207227-T-C. GRCh37 (hg19) VCF-style: chr10-101966984-T-C.
Other names: c.1231+3A>G (NM_001320928.2).
Identifiers: ClinVar variation 1936347 (VCV001936347.5), dbSNP rs377288767, ClinGen allele CA5646504.

ClinVar aggregate classification (germline): Uncertain significance (1 of 4 stars; one submission).

Allele frequency attached by ClinVar (database versions not stated): gnomAD exomes below 0.00001; ExAC 0.00002; TOPMed 0.00002; gnomAD 0.00004; ESP Exome Variant Server 0.00008.
gnomAD v4.1: 11 of 1,337,978 alleles (0.00082%); highest among the groups gnomAD compares: African/African-American, 0.016%; no homozygotes.

Submission:

Labcorp Genetics (formerly Invitae), Labcorp
Classification: Uncertain significance. Last evaluated: 2022-03-27. Review status: criteria provided, single submitter. Criteria: Invitae Variant Classification Sherloc (09022015). Collection method: clinical testing. Allele origin: germline.
Comment: This sequence change falls in intron 11 of the CHUK gene. It does not directly change the encoded amino acid sequence of the CHUK protein. It affects a nucleotide within the consensus splice site. This variant is present in population databases (rs377288767, gnomAD 0.02%). This variant has not been reported in the literature in individuals affected with CHUK-related conditions. Variants that disrupt the consensus splice site are a relatively common cause of aberrant splicing (PMID: 17576681, 9536098). Algorithms developed to predict the effect of sequence changes on RNA splicing suggest that this variant may disrupt the consensus splice site. In summary, the available evidence is currently insufficient to determine the role of this variant in disease. Therefore, it has been classified as a Variant of Uncertain Significance.

Literature cited by the submitters: PubMed 17576681; PubMed 9536098.